The following is an entry in ClinVar:

NM_006017.3(PROM1):c.2489+7A>G

Gene: PROM1 (prominin 1; minus strand). Cytogenetic location: 4p15.32.
Variant type: single nucleotide variant.
Coding change: c.2489+7A>G on transcript NM_006017.3 (MANE Select); 7 bases into the intron after coding-DNA position 2489, A replaced by G.
Molecular consequence: intron variant.
Genome position (GRCh38, 1-based): chr4:15,980,415, T>C on the plus strand (A>G on the coding strand, the complement: PROM1 is on the minus strand). VCF-style: chr4-15980415-T-C. GRCh37 (hg19) VCF-style: chr4-15982038-T-C.
Other names: c.2462+7A>G (NM_001145848.2, NM_001145852.2, NM_001145847.2 and 4 more transcripts); c.2489+7A>G (NM_001145850.2, NM_001145849.2, NM_006017.2).
Identifiers: ClinVar variation 1083381 (VCV001083381.10), dbSNP rs775630400, ClinGen allele CA2866379.

ClinVar aggregate classification (germline): Likely benign. Review status: criteria provided, single submitter (1 of 4 stars). 2 submissions from 2 submitters: Likely benign (1). 1 of the submissions does not count toward it. Last evaluated 2020-08-19.

Conditions:
PROM1-related disorder. Also called: PROM1-related condition; PROM1-related disorders.

Allele frequency attached by ClinVar (database versions not stated): gnomAD exomes 0.00001.
gnomAD v4.1: 10 of 1,524,852 alleles (0.00066%); highest among the groups gnomAD compares: Non-Finnish European, 0.00089%; no homozygotes.

Submissions (2):

Labcorp Genetics (formerly Invitae), Labcorp
Classification: Likely benign. Last evaluated: 2020-08-19. Review status: criteria provided, single submitter. Criteria: Invitae Variant Classification Sherloc (09022015). Collection method: clinical testing. Allele origin: germline.

PreventionGenetics, part of Exact Sciences
Classification: Likely benign for PROM1-related condition. Last evaluated: 2019-12-13. Review status: no assertion criteria provided. Collection method: clinical testing. Allele origin: germline. Not counted in ClinVar's aggregate classification.
Comment: This variant is classified as likely benign based on ACMG/AMP sequence variant interpretation guidelines (Richards et al. 2015 PMID: 25741868, with internal and published modifications).